The following is an entry in ClinVar:

NM_153365.3(TAPT1):c.346A>C (p.Ile116Leu)

Gene: TAPT1 (transmembrane anterior posterior transformation 1; minus strand). Cytogenetic location: 4p15.32.
Variant type: single nucleotide variant.
Coding change: c.346A>C on transcript NM_153365.3 (MANE Select); coding-DNA position 346, A replaced by C.
Protein change: p.Ile116Leu; replaces isoleucine 116 with leucine.
Molecular consequence: missense variant.
Genome position (GRCh38, 1-based): chr4:16,202,565, T>G on the plus strand (A>C on the coding strand, the complement: TAPT1 is on the minus strand). VCF-style: chr4-16202565-T-G. GRCh37 (hg19) VCF-style: chr4-16204188-T-G.
Other names: short protein forms I116L.
Identifiers: ClinVar variation 713074 (VCV000713074.21), dbSNP rs187246858, ClinGen allele CA2867535.
Genomic context (GRCh38, chr4:16,202,565, plus strand): 5'-GGAAAACTCTTAAAGGAAGCAGGGTGAACACATACAAAAACGCATCCAGGCACAGAAAGA[T>G]TCCAAAAACCATCAGCTGAATTTTAACAAGGAGAGAAGAAAAAAAAAAAGTATTTTAAAA-3'
Protein context (NP_699196.2, residues 106-126): RELEKLMVFG[Ile116Leu]FLCLDAFLYV

ClinVar aggregate classification (germline): Benign/Likely benign. Review status: criteria provided, multiple submitters, no conflicts (2 of 4 stars). 4 submissions from 4 submitters: Benign (1); Likely benign (3). Last evaluated 2026-01-26.

Allele frequency attached by ClinVar (database versions not stated): 1000 Genomes Project 30x 0.00125; 1000 Genomes Project 0.00160; TOPMed 0.00248; ESP Exome Variant Server 0.00284; ExAC 0.00429; gnomAD 0.00442 and 0.00470; gnomAD exomes 0.00479.
gnomAD v4.1: 6,023 of 1,534,342 alleles (0.39%); highest among the groups gnomAD compares: Non-Finnish European, 0.37%; 36 homozygotes.

Submissions (4):

Labcorp Genetics (formerly Invitae), Labcorp
Classification: Benign. Last evaluated: 2026-01-26. Review status: criteria provided, single submitter. Criteria: Invitae Variant Classification Sherloc (09022015). Collection method: clinical testing. Allele origin: germline.

CeGaT Center for Human Genetics Tuebingen
Classification: Likely benign. Last evaluated: 2025-10-01. Review status: criteria provided, single submitter. Criteria: CeGaT Center For Human Genetics Tuebingen Variant Classification Criteria Version 2. Collection method: clinical testing. Allele origin: germline. Affected: yes. Observed: 2 variant alleles.
Comment: TAPT1: BS2

GeneDx
Classification: Likely benign. Last evaluated: 2020-03-14. Review status: criteria provided, single submitter. Criteria: GeneDx Variant Classification Process June 2021. Collection method: clinical testing. Allele origin: germline. Affected: yes.

Breakthrough Genomics
Classification: Likely benign. Review status: criteria provided, single submitter. Criteria: ACMG Guidelines, 2015. Collection method: not provided. Allele origin: germline. Inheritance: Autosomal recessive inheritance. Affected: yes.